The following is an entry in ClinVar:

NM_000135.4(FANCA):c.2317-1G>T

Gene: FANCA (FA complementation group A; minus strand). Cytogenetic location: 16q24.3.
Variant type: single nucleotide variant.
Coding change: c.2317-1G>T on transcript NM_000135.4 (MANE Select); the canonical splice acceptor site of the intron before coding-DNA position 2317, G replaced by T.
Molecular consequence: splice acceptor variant.
Genome position (GRCh38, 1-based): chr16:89,770,025, C>A on the plus strand (G>T on the coding strand, the complement: FANCA is on the minus strand). VCF-style: chr16-89770025-C-A. GRCh37 (hg19) VCF-style: chr16-89836433-C-A.
Other names: c.2317-1G>T (NM_001286167.3).
Identifiers: ClinVar variation 655455 (VCV000655455.10), dbSNP rs1230207719, ClinGen allele CA397444704.

ClinVar aggregate classification (germline): Likely pathogenic. Review status: criteria provided, multiple submitters, no conflicts (2 of 4 stars). 2 submissions from 2 submitters: Likely pathogenic (2). Last evaluated 2024-01-02.

Conditions:
Fanconi anemia complementation group A (FANCA). Also called: Fanconi anemia, group A; FANCA-Related Fanconi Anemia. Identifiers: Orphanet 84, MedGen C3469521, MONDO:0009215, OMIM 227650.
Fanconi anemia (FA). Also called: Fanconi's anemia. Identifiers: Orphanet 84, MedGen C0015625, MeSH D005199, MONDO:0019391.

Submissions (2):

Baylor Genetics
Classification: Likely pathogenic for Fanconi anemia complementation group A. Last evaluated: 2024-01-02. Review status: criteria provided, single submitter. Criteria: ACMG Guidelines, 2015. Collection method: clinical testing. Allele origin: unknown.

Labcorp Genetics (formerly Invitae), Labcorp
Classification: Likely pathogenic for Fanconi anemia. Last evaluated: 2019-05-31. Review status: criteria provided, single submitter. Criteria: Invitae Variant Classification Sherloc (09022015). Collection method: clinical testing. Allele origin: germline.
Comment: In summary, the currently available evidence indicates that the variant is pathogenic, but additional data are needed to prove that conclusively. Therefore, this variant has been classified as Likely Pathogenic. Donor and acceptor splice site variants typically lead to a loss of protein function (PMID: 16199547), and loss-of-function variants in FANCA are known to be pathogenic (PMID: 19367192). This variant has not been reported in the literature in individuals with FANCA-related disease. This variant is not present in population databases (ExAC no frequency). This sequence change affects an acceptor splice site in intron 25 of the FANCA gene. It is expected to disrupt RNA splicing and likely results in an absent or disrupted protein product.

Literature cited by the submitters: PubMed 16199547 (cited by Labcorp Genetics (formerly Invitae), Labcorp); PubMed 19367192 (cited by Labcorp Genetics (formerly Invitae), Labcorp).